The following is an entry in ClinVar:

NM_004465.2(FGF10):c.358G>A (p.Val120Ile)

Gene: FGF10 (fibroblast growth factor 10; minus strand). Cytogenetic location: 5p12.
Variant type: single nucleotide variant.
Coding change: c.358G>A on transcript NM_004465.2 (MANE Select); coding-DNA position 358, G replaced by A.
Protein change: p.Val120Ile; replaces valine 120 with isoleucine.
Molecular consequence: missense variant.
Genome position (GRCh38, 1-based): chr5:44,310,498, C>T on the plus strand (G>A on the coding strand, the complement: FGF10 is on the minus strand). VCF-style: chr5-44310498-C-T. GRCh37 (hg19) VCF-style: chr5-44310600-C-T.
Other names: short protein forms V120I.
Identifiers: ClinVar variation 3678325 (VCV003678325.2).

ClinVar aggregate classification (germline): Uncertain significance (1 of 4 stars; one submission).

gnomAD v4.1: 8 of 1,612,342 alleles (0.0005%); highest among the groups gnomAD compares: Non-Finnish European, 0.00068%; no homozygotes.

Submission:

Labcorp Genetics (formerly Invitae), Labcorp
Classification: Uncertain significance. Last evaluated: 2024-10-03. Review status: criteria provided, single submitter. Criteria: Invitae Variant Classification Sherloc (09022015). Collection method: clinical testing. Allele origin: germline.
Comment: This sequence change replaces valine, which is neutral and non-polar, with isoleucine, which is neutral and non-polar, at codon 120 of the FGF10 protein (p.Val120Ile). This variant is present in population databases (rs769710686, gnomAD 0.004%). This variant has not been reported in the literature in individuals affected with FGF10-related conditions. An algorithm developed to predict the effect of missense changes on protein structure and function (PolyPhen-2) suggests that this variant is likely to be tolerated. In summary, the available evidence is currently insufficient to determine the role of this variant in disease. Therefore, it has been classified as a Variant of Uncertain Significance.